The following is an entry in ClinVar:

ClinVar aggregate classification (germline): Likely benign (0 of 4 stars; one submission).

Conditions:
TCF12-related disorder. Also called: TCF12-related condition.

Allele frequency attached by ClinVar (database versions not stated): ExAC 0.00001; gnomAD exomes 0.00001; TOPMed 0.00001.
gnomAD v4.1: 9 of 1,614,070 alleles (0.00056%); highest among the groups gnomAD compares: Non-Finnish European, 0.00076%; no homozygotes.

Submission:

PreventionGenetics, part of Exact Sciences
Classification: Likely benign for TCF12-related condition. Last evaluated: 2019-09-25. Review status: no assertion criteria provided. Collection method: clinical testing. Allele origin: germline.
Comment: This variant is classified as likely benign based on ACMG/AMP sequence variant interpretation guidelines (Richards et al. 2015 PMID: 25741868, with internal and published modifications).

NM_207037.2(TCF12):c.1452T>C (p.Ser484=)

Gene: TCF12 (transcription factor 12; plus strand). Cytogenetic location: 15q21.3.
Variant type: single nucleotide variant.
Coding change: c.1452T>C on transcript NM_207037.2 (MANE Select); coding-DNA position 1452, T replaced by C.
Protein change: p.Ser484=; no amino-acid change (serine 484 retained).
Molecular consequence: synonymous variant.
Genome position (GRCh38, 1-based): chr15:57,253,453, T>C. VCF-style: chr15-57253453-T-C. GRCh37 (hg19) VCF-style: chr15-57545651-T-C.
Other names: c.942T>C, p.Ser314= (NM_001306219.3); c.672T>C, p.Ser224= (NM_001306220.3); c.1452T>C, p.Ser484= (NM_001322151.2, NM_001322152.2, NM_001322159.3 and 2 more transcripts); c.795T>C, p.Ser265= (NM_001322154.2); c.1278T>C, p.Ser426= (NM_001322156.2); c.1380T>C, p.Ser460= (NM_001322157.3, NM_001322165.2, NM_003205.4 and 1 more transcripts); c.1206T>C, p.Ser402= (NM_001322158.2); c.1449T>C, p.Ser483= (NM_001322161.2); and 2 more.
Identifiers: ClinVar variation 3040515 (VCV003040515.2), dbSNP rs775754032, ClinGen allele CA7581259.